The following is an entry in ClinVar:

ClinVar aggregate classification (germline): Uncertain significance. Review status: criteria provided, multiple submitters, no conflicts (2 of 4 stars). 3 submissions from 3 submitters: Uncertain significance (3). Last evaluated 2025-11-09.

Conditions:
Cardiomyopathy (CMYO). Also called: Cardiomyopathies. Identifiers: Orphanet 167848, MedGen C0878544, MONDO:0004994, HP:0001638. Inheritance: Various modes of inheritance.
Dilated cardiomyopathy 1JJ (CMD1JJ). Identifiers: Orphanet 154, MedGen C3808935, MONDO:0014095, OMIM 615235.

Allele frequency attached by ClinVar (database versions not stated): TOPMed below 0.00001; ExAC 0.00001; gnomAD exomes 0.00001.
gnomAD v4.1: 18 of 1,614,046 alleles (0.0011%); highest among the groups gnomAD compares: Non-Finnish European, 0.0014%; no homozygotes.

Submissions (3):

Labcorp Genetics (formerly Invitae), Labcorp
Classification: Uncertain significance for Dilated cardiomyopathy 1JJ. Last evaluated: 2025-11-09. Review status: criteria provided, single submitter. Criteria: Invitae Variant Classification Sherloc (09022015). Collection method: clinical testing. Allele origin: germline.
Comment: This sequence change replaces serine, which is neutral and polar, with tyrosine, which is neutral and polar, at codon 914 of the LAMA4 protein (p.Ser914Tyr). This variant is present in population databases (rs782424587, gnomAD 0.002%). This variant has not been reported in the literature in individuals affected with LAMA4-related conditions. ClinVar contains an entry for this variant (Variation ID: 626727). Invitae Evidence Modeling of protein sequence and biophysical properties (such as structural, functional, and spatial information, amino acid conservation, physicochemical variation, residue mobility, and thermodynamic stability) indicates that this missense variant is not expected to disrupt LAMA4 protein function with a negative predictive value of 80%. In summary, the available evidence is currently insufficient to determine the role of this variant in disease. Therefore, it has been classified as a Variant of Uncertain Significance.

Center for Advanced Laboratory Medicine, UC San Diego Health, University of California San Diego
Classification: Uncertain significance for Cardiomyopathy. Last evaluated: 2019-02-05. Review status: criteria provided, single submitter. Criteria: ACMG Guidelines, 2015. Collection method: clinical testing. Allele origin: germline. Affected: yes. Observed: 1 variant allele.

CHEO Genetics Diagnostic Laboratory, Children's Hospital of Eastern Ontario
Classification: Uncertain significance for Cardiomyopathy. Last evaluated: 2017-10-19. Review status: criteria provided, single submitter. Criteria: ACMG Guidelines, 2015. Collection method: clinical testing. Allele origin: germline. Study: Canadian Open Genetics Repository.

NM_001105206.3(LAMA4):c.2762C>A (p.Ser921Tyr)

Genes: LAMA4 (laminin subunit alpha 4; minus strand), LOC126859766 (MED14-independent group 3 enhancer GRCh37_chr6:112462018-112463217; plus strand). Cytogenetic location: 6q21.
Variant type: single nucleotide variant.
Coding change: c.2762C>A on transcript NM_001105206.3 (MANE Select); coding-DNA position 2762, C replaced by A.
Protein change: p.Ser921Tyr; replaces serine 921 with tyrosine.
Molecular consequence: missense variant.
Genome position (GRCh38, 1-based): chr6:112,141,409, G>T on the plus strand (C>A on the coding strand, the complement: LAMA4 is on the minus strand). VCF-style: chr6-112141409-G-T. GRCh37 (hg19) VCF-style: chr6-112462611-G-T.
Other names: c.2741C>A, p.Ser914Tyr (NM_001105207.3, NM_002290.5); short protein forms S914Y, S921Y.
Identifiers: ClinVar variation 626727 (VCV000626727.9), dbSNP rs782424587, ClinGen allele CA3965391.